The following is an entry in ClinVar:

NM_006393.3(NEBL):c.1108C>G (p.Gln370Glu)

Gene: NEBL (nebulette; minus strand). Cytogenetic location: 10p12.31.
Variant type: single nucleotide variant.
Coding change: c.1108C>G on transcript NM_006393.3 (MANE Select); coding-DNA position 1108, C replaced by G.
Protein change: p.Gln370Glu; replaces glutamine 370 with glutamic acid.
Molecular consequence: missense variant. On other transcripts: intron variant (9).
Genome position (GRCh38, 1-based): chr10:20,850,403, G>C on the plus strand (C>G on the coding strand, the complement: NEBL is on the minus strand). VCF-style: chr10-20850403-G-C. GRCh37 (hg19) VCF-style: chr10-21139332-G-C.
Other names: c.250-37463C>G (NM_001377326.1, NM_001377327.1, NM_001377328.1); c.358-37463C>G (NM_213569.2, NM_001173484.2, NM_001377322.1); c.301-37463C>G (NM_001377324.1); c.292-37463C>G (NM_001377325.1); c.310-37463C>G (NM_001377323.1); short protein forms Q370E.
Identifiers: ClinVar variation 3878615 (VCV003878615.1).

ClinVar aggregate classification (germline): Uncertain significance (1 of 4 stars; one submission).

gnomAD v4.1: 12 of 1,596,694 alleles (0.00075%); highest among the groups gnomAD compares: Non-Finnish European, 0.001%; no homozygotes.

Submission:

Ambry Genetics
Classification: Uncertain significance. Last evaluated: 2025-01-07. Review status: criteria provided, single submitter. Criteria: Ambry Variant Classification Scheme 2023. Collection method: clinical testing. Allele origin: germline.
Comment: The p.Q370E variant (also known as c.1108C>G), located in coding exon 11 of the NEBL gene, results from a C to G substitution at nucleotide position 1108. The glutamine at codon 370 is replaced by glutamic acid, an amino acid with highly similar properties. This amino acid position is conserved. In addition, this alteration is predicted to be tolerated by in silico analysis. Based on the available evidence, the clinical significance of this variant remains unclear.